The following is an entry in ClinVar:

ClinVar aggregate classification (germline): Uncertain significance (1 of 4 stars; one submission).

Allele frequency attached by ClinVar (database versions not stated): gnomAD exomes 0.00001; gnomAD 0.00002.

Submission:

Women's Health and Genetics/Laboratory Corporation of America, LabCorp
Classification: Uncertain significance. Last evaluated: 2023-12-19. Review status: criteria provided, single submitter. Criteria: LabCorp Variant Classification Summary - May 2015. Collection method: clinical testing. Allele origin: germline.
Comment: Variant summary: LETM1 c.1743+4G>A alters a non-conserved nucleotide located close to a canonical splice site and therefore could affect mRNA splicing, leading to a significantly altered protein sequence. Consensus agreement among computation tools predict no significant impact on normal splicing. However, these predictions have yet to be confirmed by functional studies. The variant allele was found at a frequency of 4.1e-06 in 243368 control chromosomes. The available data on variant occurrences in the general population are insufficient to allow any conclusion about variant significance. To our knowledge, no occurrence of c.1743+4G>A in individuals affected with Neurodegeneration, Childhood-Onset, With Multisystem Involvement Due To Mitochondrial Dysfunction and no experimental evidence demonstrating its impact on protein function have been reported. No submitters have cited clinical-significance assessments for this variant to ClinVar after 2014. Based on the evidence outlined above, the variant was classified as uncertain significance.

NM_012318.3(LETM1):c.1743+4G>A

Gene: LETM1 (leucine zipper and EF-hand containing transmembrane protein 1; minus strand). Cytogenetic location: 4p16.3.
Variant type: single nucleotide variant.
Coding change: c.1743+4G>A on transcript NM_012318.3 (MANE Select); 4 bases into the intron after coding-DNA position 1743, G replaced by A.
Molecular consequence: intron variant.
Genome position (GRCh38, 1-based): chr4:1,819,334, C>T on the plus strand (G>A on the coding strand, the complement: LETM1 is on the minus strand). VCF-style: chr4-1819334-C-T. GRCh37 (hg19) VCF-style: chr4-1821061-C-T.
Identifiers: ClinVar variation 2691342 (VCV002691342.1), dbSNP rs1358068124, ClinGen allele CA549179406.